The following is an entry in ClinVar:

NM_001540.5(HSPB1):c.340A>C (p.Lys114Gln)

Gene: HSPB1 (heat shock protein family B (small) member 1; plus strand). Cytogenetic location: 7q11.23.
Variant type: single nucleotide variant.
Coding change: c.340A>C on transcript NM_001540.5 (MANE Select); coding-DNA position 340, A replaced by C.
Protein change: p.Lys114Gln; replaces lysine 114 with glutamine.
Molecular consequence: missense variant.
Genome position (GRCh38, 1-based): chr7:76,303,052, A>C. VCF-style: chr7-76303052-A-C. GRCh37 (hg19) VCF-style: chr7-75932369-A-C.
Other names: short protein forms K114Q.
Identifiers: ClinVar variation 950688 (VCV000950688.10), dbSNP rs1803031436, ClinGen allele CA367763681.

ClinVar aggregate classification (germline): Uncertain significance. Review status: criteria provided, multiple submitters, no conflicts (2 of 4 stars). 2 submissions from 2 submitters: Uncertain significance (2). Last evaluated 2020-04-27.

Conditions:
Charcot-Marie-Tooth disease axonal type 2F (CMT2F). Also called: CHARCOT-MARIE-TOOTH DISEASE, NEURONAL, TYPE 2F; Charcot-Marie-Tooth Neuropathy Type 2F. Identifiers: Orphanet 99940, MedGen C1847823, MONDO:0011687, OMIM 606595.

Submissions (2):

Blueprint Genetics
Classification: Uncertain significance. Last evaluated: 2020-04-27. Review status: criteria provided, single submitter. Criteria: ACMG Guidelines, 2015. Collection method: clinical testing. Allele origin: germline.

Labcorp Genetics (formerly Invitae), Labcorp
Classification: Uncertain significance for Charcot-Marie-Tooth disease axonal type 2F. Last evaluated: 2019-06-07. Review status: criteria provided, single submitter. Criteria: Invitae Variant Classification Sherloc (09022015). Collection method: clinical testing. Allele origin: germline.
Comment: This variant has not been reported in the literature in individuals with HSPB1-related conditions. The frequency data for this variant in the population databases is considered unreliable, as metrics indicate insufficient coverage at this position in the ExAC database. This sequence change replaces lysine with glutamine at codon 114 of the HSPB1 protein (p.Lys114Gln). The lysine residue is highly conserved and there is a small physicochemical difference between lysine and glutamine. Algorithms developed to predict the effect of missense changes on protein structure and function are either unavailable or do not agree on the potential impact of this missense change (SIFT: "Tolerated"; PolyPhen-2: "Probably Damaging"; Align-GVGD: "Class C0"). In summary, the available evidence is currently insufficient to determine the role of this variant in disease. Therefore, it has been classified as a Variant of Uncertain Significance.